The following is an entry in ClinVar:

NM_175747.2(OLIG3):c.387C>T (p.Leu129=)

Gene: OLIG3 (oligodendrocyte transcription factor 3; minus strand). Cytogenetic location: 6q23.3.
Variant type: single nucleotide variant.
Coding change: c.387C>T on transcript NM_175747.2 (MANE Select); coding-DNA position 387, C replaced by T.
Protein change: p.Leu129=; no amino-acid change (leucine 129 retained).
Molecular consequence: synonymous variant.
Genome position (GRCh38, 1-based): chr6:137,493,784, G>A on the plus strand (C>T on the coding strand, the complement: OLIG3 is on the minus strand). VCF-style: chr6-137493784-G-A. GRCh37 (hg19) VCF-style: chr6-137814921-G-A.
Identifiers: ClinVar variation 2656934 (VCV002656934.24), dbSNP rs1783159142, ClinGen allele CA452438221.

ClinVar aggregate classification (germline): Likely benign (1 of 4 stars; one submission).

Allele frequency attached by ClinVar (database versions not stated): TOPMed below 0.00001.

Submission:

CeGaT Center for Human Genetics Tuebingen
Classification: Likely benign. Last evaluated: 2022-07-01. Review status: criteria provided, single submitter. Criteria: CeGaT Center For Human Genetics Tuebingen Variant Classification Criteria Version 2. Collection method: clinical testing. Allele origin: germline. Affected: yes. Observed: 1 variant allele.
Comment: OLIG3: PM2:Supporting, BP4, BP7